The following is an entry in ClinVar:

ClinVar aggregate classification (germline): Uncertain significance. Review status: criteria provided, multiple submitters, no conflicts (2 of 4 stars). 2 submissions from 2 submitters: Uncertain significance (2). Last evaluated 2025-10-23.
ClinVar aggregate classification (oncogenicity): Likely oncogenic (1 of 4 stars; one submission).

Conditions:
Hereditary cancer-predisposing syndrome. Also called: Neoplastic Syndromes, Hereditary; Tumor predisposition; Hereditary Cancer Syndrome; Hereditary neoplastic syndrome. Identifiers: Orphanet 140162, MedGen C0027672, MeSH D009386, MONDO:0015356.
EGFR-related lung cancer (EGFR). Identifiers: MedGen CN130014.
Neoplasm. Also called: tumor; Neoplasms; Neoplasm (disease). Identifiers: MedGen C0027651, MeSH D009369, MONDO:0005070, HP:0002664.

Submissions (3):

Center for Genomic Medicine, Rigshospitalet, Copenhagen University Hospital
Classification: Likely oncogenic for Neoplasm. Last evaluated: 2026-10-16. Review status: criteria provided, single submitter. Criteria: ClinGen/CGC/VICC Guidelines for Oncogenicity, 2022. Collection method: clinical testing. Allele origin: somatic. Affected: yes.

Ambry Genetics
Classification: Uncertain significance for Hereditary cancer-predisposing syndrome. Last evaluated: 2025-10-23. Review status: criteria provided, single submitter. Criteria: Ambry Variant Classification Scheme 2023. Collection method: clinical testing. Allele origin: germline.
Comment: The p.R252C variant (also known as c.754C>T), located in coding exon 7 of the EGFR gene, results from a C to T substitution at nucleotide position 754. The arginine at codon 252 is replaced by cysteine, an amino acid with highly dissimilar properties. This amino acid position is not well conserved in available vertebrate species. In addition, the in silico prediction for this alteration is inconclusive. Based on the available evidence, the clinical significance of this variant remains unclear.

Labcorp Genetics (formerly Invitae), Labcorp
Classification: Uncertain significance for EGFR-related lung cancer. Last evaluated: 2023-03-09. Review status: criteria provided, single submitter. Criteria: Invitae Variant Classification Sherloc (09022015). Collection method: clinical testing. Allele origin: germline.
Comment: Advanced modeling of protein sequence and biophysical properties (such as structural, functional, and spatial information, amino acid conservation, physicochemical variation, residue mobility, and thermodynamic stability) performed at Invitae indicates that this missense variant is not expected to disrupt EGFR protein function. In summary, the available evidence is currently insufficient to determine the role of this variant in disease. Therefore, it has been classified as a Variant of Uncertain Significance. This variant has not been reported in the literature in individuals affected with EGFR-related conditions. ClinVar contains an entry for this variant (Variation ID: 1934680). This variant is not present in population databases (gnomAD no frequency). This sequence change replaces arginine, which is basic and polar, with cysteine, which is neutral and slightly polar, at codon 252 of the EGFR protein (p.Arg252Cys).

Literature cited by the submitters: PubMed 29533785 (cited by Center for Genomic Medicine, Rigshospitalet, Copenhagen University Hospital); PubMed 41565660 (cited by Center for Genomic Medicine, Rigshospitalet, Copenhagen University Hospital).

NM_005228.5(EGFR):c.754C>T (p.Arg252Cys)

Gene: EGFR (epidermal growth factor receptor; plus strand). Cytogenetic location: 7p11.2.
Variant type: single nucleotide variant.
Coding change: c.754C>T on transcript NM_005228.5 (MANE Select); coding-DNA position 754, C replaced by T.
Protein change: p.Arg252Cys; replaces arginine 252 with cysteine.
Molecular consequence: missense variant. On other transcripts: intron variant (1).
Genome position (GRCh38, 1-based): chr7:55,154,017, C>T. VCF-style: chr7-55154017-C-T. GRCh37 (hg19) VCF-style: chr7-55221710-C-T.
Other names: c.619C>T, p.Arg207Cys (NM_001346897.2, NM_001346899.2); c.754C>T, p.Arg252Cys (NM_001346898.2, NM_201282.2, NM_201283.2 and 1 more transcripts); c.595C>T, p.Arg199Cys (NM_001346900.2); c.89-1813C>T (NM_001346941.2); short protein forms R199C, R207C, R252C.
Identifiers: ClinVar variation 1934680 (VCV001934680.7), dbSNP rs775252718, ClinGen allele CA367577599.